The following is an entry in ClinVar:

NM_004369.4(COL6A3):c.7357G>T (p.Glu2453Ter)

Gene: COL6A3 (collagen type VI alpha 3 chain; minus strand). Cytogenetic location: 2q37.3.
Variant type: single nucleotide variant.
Coding change: c.7357G>T on transcript NM_004369.4 (MANE Select); coding-DNA position 7357, G replaced by T.
Protein change: p.Glu2453Ter; replaces glutamic acid 2453 with a stop codon.
Molecular consequence: nonsense.
Genome position (GRCh38, 1-based): chr2:237,344,661, C>A on the plus strand (G>T on the coding strand, the complement: COL6A3 is on the minus strand). VCF-style: chr2-237344661-C-A. GRCh37 (hg19) VCF-style: chr2-238253304-C-A.
Other names: c.5536G>T, p.Glu1846Ter (NM_057166.5); c.6739G>T, p.Glu2247Ter (NM_057167.4); short protein forms E2453*, E1846*, E2247*.
Identifiers: ClinVar variation 3701012 (VCV003701012.2).
Genomic context (GRCh38, chr2:237,344,661, plus strand): 5'-TCTTGTCCAGGAGGACCGACTTCCTCTTGGAGTCAGCAAACCGGATCTCCGTGGTCACCT[C>A]GTTGTTGTAGGTGACCACAGCCACCCGGGCCCCCCGTGGGCAGTTGCTCTCAGCAATGGT-3'

ClinVar aggregate classification (germline): Pathogenic (1 of 4 stars; one submission).

Conditions:
Bethlem myopathy 1A. Also called: MYOPATHY, BENIGN CONGENITAL, WITH CONTRACTURES; Bethlem myopathy 1; Bethlem Muscular Dystrophy. Identifiers: Orphanet 610, MedGen CN029274, MONDO:0024530, OMIM 158810.

Submission:

Labcorp Genetics (formerly Invitae), Labcorp
Classification: Pathogenic for Bethlem myopathy 1A. Last evaluated: 2024-11-11. Review status: criteria provided, single submitter. Criteria: Invitae Variant Classification Sherloc (09022015). Collection method: clinical testing. Allele origin: germline.
Comment: This sequence change creates a premature translational stop signal (p.Glu2453*) in the COL6A3 gene. It is expected to result in an absent or disrupted protein product. Loss-of-function variants in COL6A3 are known to be pathogenic (PMID: 26004199). This variant is not present in population databases (gnomAD no frequency). This variant has not been reported in the literature in individuals affected with COL6A3-related conditions. For these reasons, this variant has been classified as Pathogenic.

Literature cited by the submitters: PubMed 26004199.